The following is an entry in ClinVar:

NM_025233.7(COASY):c.1388-2A>G

Gene: COASY (Coenzyme A synthase; plus strand). Cytogenetic location: 17q21.2.
Variant type: single nucleotide variant.
Coding change: c.1388-2A>G on transcript NM_025233.7 (MANE Select); the canonical splice acceptor site of the intron before coding-DNA position 1388, A replaced by G.
Molecular consequence: splice acceptor variant.
Genome position (GRCh38, 1-based): chr17:42,565,469, A>G. VCF-style: chr17-42565469-A-G. GRCh37 (hg19) VCF-style: chr17-40717487-A-G.
Other names: c.1475-2A>G (NM_001042532.4); c.1388-2A>G (NM_001042529.3, NM_025233.6).
Identifiers: ClinVar variation 2050208 (VCV002050208.10), dbSNP rs145108650, ClinGen allele CA8578322.

ClinVar aggregate classification (germline): Conflicting classifications of pathogenicity. Review status: criteria provided, conflicting classifications (1 of 4 stars). 5 submissions from 5 submitters: Likely pathogenic (4); Uncertain significance (1). Last evaluated 2026-02-12.

Conditions:
COASY-related disorder. Also called: COASY-related condition.
Pontocerebellar hypoplasia, type 12. Identifiers: Orphanet 611256, MedGen C4748873, MONDO:0032643, OMIM 618266.
Neurodegeneration with brain iron accumulation 6 (NBIA6). Also called: COASY protein-associated neurodegeneration. Identifiers: Orphanet 397725, MedGen C4517377, MONDO:0014290, OMIM 615643.

Allele frequency attached by ClinVar (database versions not stated): gnomAD exomes 0.00005; 1000 Genomes Project 30x 0.00016; 1000 Genomes Project 0.00020; ExAC 0.00020; gnomAD 0.00048; TOPMed 0.00057; ESP Exome Variant Server 0.00085.
gnomAD v4.1: 144 of 1,614,180 alleles (0.0089%); highest among the groups gnomAD compares: African/African-American, 0.19%; no homozygotes.

Submissions (6):

GeneDx
Classification: Uncertain significance. Last evaluated: 2026-02-12. Review status: criteria provided, single submitter. Criteria: GeneDx Variant Classification Process June 2021. Collection method: clinical testing. Allele origin: germline.
Comment: Canonical splice site variant predicted to result in a null allele in a gene for which loss of function is a known mechanism of disease; Has not been previously published as pathogenic or benign to our knowledge; Also known as c.1475-2A>G; This variant is associated with the following publications: (PMID: 31275557, 36939041, 34269512)

Labcorp Genetics (formerly Invitae), Labcorp
Classification: Likely pathogenic for Neurodegeneration with brain iron accumulation 6. Last evaluated: 2025-12-30. Review status: criteria provided, single submitter. Criteria: Invitae Variant Classification Sherloc (09022015). Collection method: clinical testing. Allele origin: germline.
Comment: This sequence change affects an acceptor splice site in intron 6 of the COASY gene. It is expected to disrupt RNA splicing. Variants that disrupt the donor or acceptor splice site typically lead to a loss of protein function (PMID: 16199547), and loss-of-function variants in COASY are known to be pathogenic (PMID: 24360804, 30089828). This variant is present in population databases (rs145108650, gnomAD 0.2%). Disruption of this splice site has been observed in individual(s) with clinical features of COASY-related conditions (PMID: 36939041). ClinVar contains an entry for this variant (Variation ID: 2050208). Algorithms developed to predict the effect of sequence changes on RNA splicing suggest that this variant may disrupt the consensus splice site. In summary, the currently available evidence indicates that the variant is pathogenic, but additional data are needed to prove that conclusively. Therefore, this variant has been classified as Likely Pathogenic.

PreventionGenetics, part of Exact Sciences
Classification: Likely pathogenic for COASY-related condition. Last evaluated: 2025-01-27. Review status: criteria provided, single submitter. Criteria: ACMG Guidelines, 2015. Collection method: clinical testing. Allele origin: germline.
Comment: The COASY c.1388-2A>G variant is predicted to disrupt the AG splice acceptor site and interfere with normal splicing. To our knowledge, this variant has not been previously reported in the literature in association with disease. This variant is reported in 0.17% of alleles in individuals of African descent in gnomAD. Variants that disrupt the consensus splice acceptor site in COASY are expected to be pathogenic. This variant is interpreted as likely pathogenic.

Fulgent Genetics
Classification: Likely pathogenic for Neurodegeneration with brain iron accumulation 6; Pontocerebellar hypoplasia, type 12. Last evaluated: 2024-05-15. Review status: criteria provided, single submitter. Criteria: ACMG Guidelines, 2015. Collection method: clinical testing. Allele origin: germline.

Mayo Clinic Laboratories, Mayo Clinic
Classification: Likely pathogenic. Last evaluated: 2024-02-05. Review status: criteria provided, single submitter. Criteria: ACMG Guidelines, 2015. Collection method: clinical testing. Allele origin: germline. Observed: 1 variant allele.
Comment: PM2, PVS1

Dr. Peter K. Rogan Lab, Western University
No classification provided (evidence only). Condition: Familial cancer of breast. Review status: no classification provided. Collection method: in vitro. Allele origin: not applicable. Functional consequence: skipped exon, retained intron. Not counted in ClinVar's aggregate classification.

Literature cited by the submitters: PubMed 16199547 (cited by Labcorp Genetics (formerly Invitae), Labcorp); PubMed 24360804 (cited by Labcorp Genetics (formerly Invitae), Labcorp); PubMed 30089828 (cited by Labcorp Genetics (formerly Invitae), Labcorp); PubMed 36939041 (cited by Labcorp Genetics (formerly Invitae), Labcorp and Mayo Clinic Laboratories, Mayo Clinic); PubMed 34269512 (cited by Mayo Clinic Laboratories, Mayo Clinic).